The following is an entry in ClinVar:

ClinVar aggregate classification (germline): Uncertain significance. Review status: criteria provided, multiple submitters, no conflicts (2 of 4 stars). 2 submissions from 2 submitters: Uncertain significance (2). Last evaluated 2025-03-31.

Conditions:
Anauxetic dysplasia. Identifiers: Orphanet 93347, MedGen C1846796, MONDO:0011773.

Allele frequency attached by ClinVar (database versions not stated): gnomAD 0.00001; ExAC 0.00010; 1000 Genomes Project 30x 0.00016; 1000 Genomes Project 0.00040.
gnomAD v4.1: 7 of 691,520 alleles (0.001%); highest among the groups gnomAD compares: South Asian, 0.003%; no homozygotes.

Submissions (2):

Labcorp Genetics (formerly Invitae), Labcorp
Classification: Uncertain significance for Anauxetic dysplasia. Last evaluated: 2025-03-31. Review status: criteria provided, single submitter. Criteria: Invitae Variant Classification Sherloc (09022015). Collection method: clinical testing. Allele origin: germline.
Comment: This variant occurs in the RMRP gene, which encodes an RNA molecule that does not result in a protein product. This variant is present in population databases (rs552002151, gnomAD 0.004%). This variant has not been reported in the literature in individuals affected with RMRP-related conditions. ClinVar contains an entry for this variant (Variation ID: 1397563). Experimental studies and prediction algorithms are not available or were not evaluated, and the functional significance of this variant is currently unknown. In summary, the available evidence is currently insufficient to determine the role of this variant in disease. Therefore, it has been classified as a Variant of Uncertain Significance.

CeGaT Center for Human Genetics Tuebingen
Classification: Uncertain significance. Last evaluated: 2019-11-01. Review status: criteria provided, single submitter. Criteria: CeGaT Center For Human Genetics Tuebingen Variant Classification Criteria Version 2. Collection method: clinical testing. Allele origin: germline. Affected: yes. Observed: 1 variant allele.

NC_000009.12:g.35658013C>T

Gene: RMRP (RNA component of mitochondrial RNA processing endoribonuclease; minus strand). Cytogenetic location: 9p13.3.
Variant type: single nucleotide variant.
Genome position: GRCh38 VCF-style: chr9-35658013-C-T. GRCh37 (hg19) VCF-style: chr9-35658010-C-T.
Identifiers: ClinVar variation 1397563 (VCV001397563.35), dbSNP rs552002151, ClinGen allele CA5045869.